The following is an entry in ClinVar:

NM_018975.4(TERF2IP):c.428C>G (p.Ala143Gly)

Gene: TERF2IP (TERF2 interacting protein; plus strand). Cytogenetic location: 16q23.1.
Variant type: single nucleotide variant.
Coding change: c.428C>G on transcript NM_018975.4 (MANE Select); coding-DNA position 428, C replaced by G.
Protein change: p.Ala143Gly; replaces alanine 143 with glycine.
Molecular consequence: missense variant. On other transcripts: non-coding transcript variant (1).
Genome position (GRCh38, 1-based): chr16:75,648,310, C>G. VCF-style: chr16-75648310-C-G. GRCh37 (hg19) VCF-style: chr16-75682208-C-G.
Other names: short protein forms A143G.
Identifiers: ClinVar variation 2625592 (VCV002625592.2), dbSNP rs2507074186, ClinGen allele CA396817884.

ClinVar aggregate classification (germline): Uncertain significance (1 of 4 stars; one submission).

Submission:

Ambry Genetics
Classification: Uncertain significance. Last evaluated: 2023-08-11. Review status: criteria provided, single submitter. Criteria: Ambry Variant Classification Scheme 2023. Collection method: clinical testing. Allele origin: germline.
Comment: The p.A143G variant (also known as c.428C>G), located in coding exon 1 of the TERF2IP gene, results from a C to G substitution at nucleotide position 428. The alanine at codon 143 is replaced by glycine, an amino acid with similar properties. This amino acid position is conserved. In addition, this alteration is predicted to be tolerated by in silico analysis. Since supporting evidence is limited at this time, the clinical significance of this alteration remains unclear.